The following is an entry in ClinVar:

NM_000237.3(LPL):c.3G>A (p.Met1Ile)

Gene: LPL (lipoprotein lipase; plus strand). Cytogenetic location: 8p21.3.
Variant type: single nucleotide variant.
Coding change: c.3G>A on transcript NM_000237.3 (MANE Select); coding-DNA position 3, G replaced by A.
Protein change: p.Met1Ile; changes the start codon (methionine 1).
Molecular consequence: missense variant, initiator codon variant.
Genome position (GRCh38, 1-based): chr8:19,939,443, G>A. VCF-style: chr8-19939443-G-A. GRCh37 (hg19) VCF-style: chr8-19796954-G-A.
Other names: short protein forms M1I.
Identifiers: ClinVar variation 2006935 (VCV002006935.5), dbSNP rs2540092140, ClinGen allele CA370464586.

ClinVar aggregate classification (germline): Likely pathogenic (1 of 4 stars; one submission).

Submission:

Labcorp Genetics (formerly Invitae), Labcorp
Classification: Likely pathogenic. Last evaluated: 2022-06-15. Review status: criteria provided, single submitter. Criteria: Invitae Variant Classification Sherloc (09022015). Collection method: clinical testing. Allele origin: germline.
Comment: In summary, the currently available evidence indicates that the variant is pathogenic, but additional data are needed to prove that conclusively. Therefore, this variant has been classified as Likely Pathogenic. Experimental studies have shown that disruption of the initiator codon affects LPL function (PMID: 16431216). Algorithms developed to predict the effect of variants on protein structure and function are not available or were not evaluated for this variant. Disruption of the initiator codon has been observed in individual(s) with LDL-related conditions (PMID: 16431216). This variant is not present in population databases (gnomAD no frequency). This sequence change affects the initiator methionine of the LPL mRNA. The next in-frame methionine is located at codon 77.

Literature cited by the submitters: PubMed 16431216.